The following is an entry in ClinVar:

ClinVar aggregate classification (germline): Uncertain significance (1 of 4 stars; one submission).

Allele frequency attached by ClinVar (database versions not stated): gnomAD exomes below 0.00001; gnomAD 0.00001; TOPMed 0.00001.
gnomAD v4.1: 3 of 1,612,146 alleles (0.00019%); highest among the groups gnomAD compares: Admixed American, 0.0033%; no homozygotes.

Submission:

Labcorp Genetics (formerly Invitae), Labcorp
Classification: Uncertain significance. Last evaluated: 2022-05-17. Review status: criteria provided, single submitter. Criteria: Invitae Variant Classification Sherloc (09022015). Collection method: clinical testing. Allele origin: germline.
Comment: This sequence change replaces arginine, which is basic and polar, with lysine, which is basic and polar, at codon 324 of the PCK1 protein (p.Arg324Lys). This variant is not present in population databases (gnomAD no frequency). This variant has not been reported in the literature in individuals affected with PCK1-related conditions. Algorithms developed to predict the effect of missense changes on protein structure and function are either unavailable or do not agree on the potential impact of this missense change (SIFT: "Tolerated"; PolyPhen-2: "Probably Damaging"; Align-GVGD: "Class C0"). In summary, the available evidence is currently insufficient to determine the role of this variant in disease. Therefore, it has been classified as a Variant of Uncertain Significance.

NM_002591.4(PCK1):c.971G>A (p.Arg324Lys)

Gene: PCK1 (phosphoenolpyruvate carboxykinase 1; plus strand). Cytogenetic location: 20q13.31.
Variant type: single nucleotide variant.
Coding change: c.971G>A on transcript NM_002591.4 (MANE Select); coding-DNA position 971, G replaced by A.
Protein change: p.Arg324Lys; replaces arginine 324 with lysine.
Molecular consequence: missense variant.
Genome position (GRCh38, 1-based): chr20:57,564,178, G>A. VCF-style: chr20-57564178-G-A. GRCh37 (hg19) VCF-style: chr20-56139234-G-A.
Other names: short protein forms R324K.
Identifiers: ClinVar variation 2080600 (VCV002080600.2), dbSNP rs1393505094, ClinGen allele CA409436140.